The following is an entry in ClinVar:

NM_000059.4(BRCA2):c.8741C>T (p.Pro2914Leu)

Gene: BRCA2 (BRCA2 DNA repair associated; plus strand). Cytogenetic location: 13q13.1.
Variant type: single nucleotide variant.
Coding change: c.8741C>T on transcript NM_000059.4 (MANE Select); coding-DNA position 8741, C replaced by T.
Protein change: p.Pro2914Leu; replaces proline 2914 with leucine.
Molecular consequence: missense variant.
Genome position (GRCh38, 1-based): chr13:32,376,778, C>T. VCF-style: chr13-32376778-C-T. GRCh37 (hg19) VCF-style: chr13-32950915-C-T.
Other names: short protein forms P2914L.
Identifiers: ClinVar variation 1373185 (VCV001373185.8), dbSNP rs2137613427, ClinGen allele CA387755047.
Genomic context (GRCh38, chr13:32,376,778, plus strand): 5'-AAGTTCGTGCTTTGCAAGATGGTGCAGAGCTTTATGAAGCAGTGAAGAATGCAGCAGACC[C>T]AGCTTACCTTGAGGTGAGAGAGTAAGAGGACATATAATGAGGCTTGATGATTATTCAAGG-3'
Protein context (NP_000050.3, residues 2904-2924): LYEAVKNAAD[Pro2914Leu]AYLEGYFSEE

ClinVar aggregate classification (germline): Uncertain significance. Review status: criteria provided, multiple submitters, no conflicts (2 of 4 stars). 2 submissions from 2 submitters: Uncertain significance (2). Last evaluated 2021-08-09.

Conditions:
Hereditary cancer-predisposing syndrome. Also called: Neoplastic Syndromes, Hereditary; Tumor predisposition; Hereditary neoplastic syndrome; Hereditary Cancer Syndrome. Identifiers: Orphanet 140162, MedGen C0027672, MeSH D009386, MONDO:0015356.
Hereditary breast ovarian cancer syndrome. Also called: BRCA1- and BRCA2-Associated Hereditary Breast and Ovarian Cancer; Hereditary breast and ovarian cancer; Hereditary breast and ovarian cancer syndrome; Hereditary breast and/or ovarian cancer syndrome; Hereditary breast and ovarian cancer syndrome (HBOC); Breast and ovarian cancer. Identifiers: Orphanet 145, MedGen C0677776, MeSH D061325, MONDO:0003582. Disease mechanism: loss of function.

Submissions (2):

Labcorp Genetics (formerly Invitae), Labcorp
Classification: Uncertain significance for Hereditary breast ovarian cancer syndrome. Last evaluated: 2021-08-09. Review status: criteria provided, single submitter. Criteria: Invitae Variant Classification Sherloc (09022015). Collection method: clinical testing. Allele origin: germline.
Comment: This sequence change replaces proline with leucine at codon 2914 of the BRCA2 protein (p.Pro2914Leu). The proline residue is highly conserved and there is a moderate physicochemical difference between proline and leucine. This variant is not present in population databases (ExAC no frequency). This variant has not been reported in the literature in individuals affected with BRCA2-related conditions. Advanced modeling of protein sequence and biophysical properties (such as structural, functional, and spatial information, amino acid conservation, physicochemical variation, residue mobility, and thermodynamic stability) performed at Invitae indicates that this missense variant is not expected to disrupt BRCA2 protein function. In summary, the available evidence is currently insufficient to determine the role of this variant in disease. Therefore, it has been classified as a Variant of Uncertain Significance.

Ambry Genetics
Classification: Uncertain significance for Hereditary cancer-predisposing syndrome. Last evaluated: 2021-01-15. Review status: criteria provided, single submitter. Criteria: Ambry Variant Classification Scheme 2023. Collection method: clinical testing. Allele origin: germline.
Comment: The p.P2914L variant (also known as c.8741C>T), located in coding exon 20 of the BRCA2 gene, results from a C to T substitution at nucleotide position 8741. The proline at codon 2914 is replaced by leucine, an amino acid with similar properties. This amino acid position is highly conserved in available vertebrate species. In addition, the in silico prediction for this alteration is inconclusive. Since supporting evidence is limited at this time, the clinical significance of this alteration remains unclear.